The following is an entry in ClinVar:

ClinVar aggregate classification (germline): Uncertain significance (1 of 4 stars; one submission).

gnomAD v4.1: 8 of 1,612,960 alleles (0.0005%); highest among the groups gnomAD compares: Non-Finnish European, 0.00068%; no homozygotes.

Submission:

Women's Health and Genetics/Laboratory Corporation of America, LabCorp
Classification: Uncertain significance. Last evaluated: 2024-09-10. Review status: criteria provided, single submitter. Criteria: LabCorp Variant Classification Summary - May 2015. Collection method: clinical testing. Allele origin: germline.
Comment: Variant summary: PKHD1 c.6670G>C (p.Gly2224Arg) results in a non-conservative amino acid change in the encoded protein sequence. Five of five in-silico tools predict a damaging effect of the variant on protein function. The variant allele was found at a frequency of 4e-06 in 250660 control chromosomes. The available data on variant occurrences in the general population are insufficient to allow any conclusion about variant significance. c.6670G>C has been reported in the literature in at-least one individual affected with autosomal recessive polycystic kidney disease (Gunay-Aygun_2010). These data do not allow any conclusion about variant significance. To our knowledge, no experimental evidence demonstrating an impact on protein function has been reported. The following publication has been ascertained in the context of this evaluation (PMID: 20413436). No submitters have cited clinical-significance assessments for this variant to ClinVar. Based on the evidence outlined above, the variant was classified as uncertain significance.

Literature cited by the submitters: PubMed 20413436.

NM_138694.4(PKHD1):c.6670G>C (p.Gly2224Arg)

Gene: PKHD1 (PKHD1 ciliary IPT domain containing fibrocystin/polyductin; minus strand). Cytogenetic location: 6p12.2.
Variant type: single nucleotide variant.
Coding change: c.6670G>C on transcript NM_138694.4 (MANE Select); coding-DNA position 6670, G replaced by C.
Protein change: p.Gly2224Arg; replaces glycine 2224 with arginine.
Molecular consequence: missense variant.
Genome position (GRCh38, 1-based): chr6:51,909,295, C>G on the plus strand (G>C on the coding strand, the complement: PKHD1 is on the minus strand). VCF-style: chr6-51909295-C-G. GRCh37 (hg19) VCF-style: chr6-51774093-C-G.
Other names: c.6670G>C, p.Gly2224Arg (NM_170724.3); short protein forms G2224R.
Identifiers: ClinVar variation 3374968 (VCV003374968.1).
Genomic context (GRCh38, chr6:51,909,295, plus strand): 5'-ACATGGGAGAAAGAAACATGAGAAAGTCCTAGGTCCGGACCCCCTTACCTCTCATAGCTC[C>G]CACCAGAGTGAGTGAGCTCAGATGCTTATGGAAGGCTTGCCCCAAGACTTGAAACTGCAC-3'
Protein context (NP_619639.3, residues 2214-2234): HKHLSSLTLV[Gly2224Arg]AMRESFIQGC